The following is an entry in ClinVar:

ClinVar aggregate classification (germline): Uncertain significance (1 of 4 stars; one submission).

Submission:

Labcorp Genetics (formerly Invitae), Labcorp
Classification: Uncertain significance. Last evaluated: 2022-09-23. Review status: criteria provided, single submitter. Criteria: Invitae Variant Classification Sherloc (09022015). Collection method: clinical testing. Allele origin: germline.
Comment: In summary, the available evidence is currently insufficient to determine the role of this variant in disease. Therefore, it has been classified as a Variant of Uncertain Significance. This sequence change replaces glycine, which is neutral and non-polar, with arginine, which is basic and polar, at codon 287 of the IDH3B protein (p.Gly287Arg). This variant is not present in population databases (gnomAD no frequency). This variant has not been reported in the literature in individuals affected with IDH3B-related conditions. Advanced modeling of protein sequence and biophysical properties (such as structural, functional, and spatial information, amino acid conservation, physicochemical variation, residue mobility, and thermodynamic stability) performed at Invitae indicates that this missense variant is expected to disrupt IDH3B protein function.

NM_006899.5(IDH3B):c.859G>A (p.Gly287Arg)

Gene: IDH3B (isocitrate dehydrogenase (NAD(+)) 3 non-catalytic subunit beta; minus strand). Cytogenetic location: 20p13.
Variant type: single nucleotide variant.
Coding change: c.859G>A on transcript NM_006899.5 (MANE Select); coding-DNA position 859, G replaced by A.
Protein change: p.Gly287Arg; replaces glycine 287 with arginine.
Molecular consequence: missense variant. On other transcripts: non-coding transcript variant (1).
Genome position (GRCh38, 1-based): chr20:2,660,086, C>T on the plus strand (G>A on the coding strand, the complement: IDH3B is on the minus strand). VCF-style: chr20-2660086-C-T. GRCh37 (hg19) VCF-style: chr20-2640732-C-T.
Other names: c.859G>A, p.Gly287Arg (NM_001258384.3, NM_001330763.2, NM_174855.4); short protein forms G287R.
Identifiers: ClinVar variation 1717105 (VCV001717105.5), dbSNP rs2514758232, ClinGen allele CA408035426.